The following is an entry in ClinVar:

NM_000465.4(BARD1):c.614A>G (p.Lys205Arg)

Gene: BARD1 (BRCA1 associated RING domain 1; minus strand). Cytogenetic location: 2q35.
Variant type: single nucleotide variant.
Coding change: c.614A>G on transcript NM_000465.4 (MANE Select); coding-DNA position 614, A replaced by G.
Protein change: p.Lys205Arg; replaces lysine 205 with arginine.
Molecular consequence: missense variant. On other transcripts: intron variant (3), non-coding transcript variant (2).
Genome position (GRCh38, 1-based): chr2:214,781,260, T>C on the plus strand (A>G on the coding strand, the complement: BARD1 is on the minus strand). VCF-style: chr2-214781260-T-C. GRCh37 (hg19) VCF-style: chr2-215645984-T-C.
Other names: c.364+11037A>G (NM_001282549.2); c.557A>G, p.Lys186Arg (NM_001282543.2); c.158+28152A>G (NM_001282548.2); c.215+15801A>G (NM_001282545.2); short protein forms K205R, K186R.
Identifiers: ClinVar variation 142401 (VCV000142401.36), dbSNP rs587782437, ClinGen allele CA168241.
Genomic context (GRCh38, chr2:214,781,260, plus strand): 5'-TCTTTTTCTGCCTCTAAATTCCATTTTTGGTTGATTTCAGCTAAAGTTTTCTTTTTTTGC[T>C]TTTTTCCAGATCTTGCAGAAGCCTTTTTAGCCCTCTCAGAAACATCTGCAGGAGGACTTG-3'
Protein context (NP_000456.2, residues 195-215): AKKASARSGK[Lys205Arg]QKKKTLAEIN

ClinVar aggregate classification (germline): Uncertain significance. Review status: criteria provided, multiple submitters, no conflicts (2 of 4 stars). 8 submissions from 8 submitters: Uncertain significance (8). Last evaluated 2025-11-17.

Conditions:
Hereditary cancer-predisposing syndrome. Also called: Neoplastic Syndromes, Hereditary; Tumor predisposition; Hereditary Cancer Syndrome; Hereditary neoplastic syndrome. Identifiers: Orphanet 140162, MedGen C0027672, MeSH D009386, MONDO:0015356.
Familial cancer of breast. Also called: BREAST CANCER, FAMILIAL; Hereditary breast cancer; hereditary breast carcinoma. Identifiers: Orphanet 227535, MedGen C0346153, MONDO:0016419, OMIM 114480. Disease mechanism: loss of function.

Allele frequency attached by ClinVar (database versions not stated): gnomAD 0.00001; TOPMed 0.00001.
gnomAD v4.1: 12 of 1,594,674 alleles (0.00075%); highest among the groups gnomAD compares: Non-Finnish European, 0.001%; no homozygotes.

Submissions (8):

Labcorp Genetics (formerly Invitae), Labcorp
Classification: Uncertain significance for Familial cancer of breast. Last evaluated: 2025-11-17. Review status: criteria provided, single submitter. Criteria: Invitae Variant Classification Sherloc (09022015). Collection method: clinical testing. Allele origin: germline.
Comment: This sequence change replaces lysine, which is basic and polar, with arginine, which is basic and polar, at codon 205 of the BARD1 protein (p.Lys205Arg). The frequency data for this variant in the population databases is considered unreliable, as metrics indicate poor data quality at this position in the gnomAD database. This variant has not been reported in the literature in individuals affected with BARD1-related conditions. ClinVar contains an entry for this variant (Variation ID: 142401). An algorithm developed to predict the effect of missense changes on protein structure and function (PolyPhen-2) suggests that this variant is likely to be tolerated. In summary, the available evidence is currently insufficient to determine the role of this variant in disease. Therefore, it has been classified as a Variant of Uncertain Significance.

Color Diagnostics, LLC DBA Color Health
Classification: Uncertain significance for Hereditary cancer-predisposing syndrome. Last evaluated: 2025-07-25. Review status: criteria provided, single submitter. Criteria: ACMG Guidelines, 2015. Collection method: clinical testing. Allele origin: germline.
Comment: This missense variant replaces lysine with arginine at codon 205 of the BARD1 protein. Computational prediction suggests that this variant may not impact protein structure and function. To our knowledge, functional studies have not been reported for this variant. This variant has been reported in two individuals affected with breast and/or ovarian cancer (PMID: 27153395, 33471991), as well as in an unaffected control (PMID: 26315354). This variant has been identified in 3/231674 chromosomes in the general population by the Genome Aggregation Database (gnomAD). The available evidence is insufficient to determine the role of this variant in disease conclusively. Therefore, this variant is classified as a Variant of Uncertain Significance.

Women's Health and Genetics/Laboratory Corporation of America, LabCorp
Classification: Uncertain significance. Last evaluated: 2025-02-06. Review status: criteria provided, single submitter. Criteria: LabCorp Variant Classification Summary - May 2015. Collection method: clinical testing. Allele origin: germline.
Comment: Variant summary: BARD1 c.614A>G (p.Lys205Arg) results in a conservative amino acid change in the encoded protein sequence. Three of five in-silico tools predict a damaging effect of the variant on protein function. The variant allele was found at a frequency of 1.3e-05 in 231674 control chromosomes. The available data on variant occurrences in the general population are insufficient to allow any conclusion about variant significance. c.614A>G has been reported in the literature in at least one individual affected with Epithelial Ovarian Cancer (example, Ramus_2015). These report(s) do not provide unequivocal conclusions about association of the variant with Hereditary Breast And Ovarian Cancer Syndrome. To our knowledge, no experimental evidence demonstrating an impact on protein function has been reported. The following publication has been ascertained in the context of this evaluation (PMID: 26315354). ClinVar contains an entry for this variant (Variation ID: 142401). Based on the evidence outlined above, the variant was classified as uncertain significance.

Ambry Genetics
Classification: Uncertain significance for Hereditary cancer-predisposing syndrome. Last evaluated: 2024-07-22. Review status: criteria provided, single submitter. Criteria: Ambry Variant Classification Scheme 2023. Collection method: clinical testing. Allele origin: germline.
Comment: The p.K205R variant (also known as c.614A>G), located in coding exon 4 of the BARD1 gene, results from an A to G substitution at nucleotide position 614. The lysine at codon 205 is replaced by arginine, an amino acid with highly similar properties. This variant has been identified in at least two patients with a personal and/or family history of breast and/or ovarian cancer (Maxwell KN et al. Am. J. Hum. Genet. 2016 May;98:801-17; Ramus SJ et al. J. Natl. Cancer Inst., 2015 Nov;107). This amino acid position is well conserved in available vertebrate species. In addition, this alteration is predicted to be tolerated by in silico analysis. Based on the available evidence, the clinical significance of this variant remains unclear.

Baylor Genetics
Classification: Uncertain significance for Familial cancer of breast. Last evaluated: 2023-09-15. Review status: criteria provided, single submitter. Criteria: ACMG Guidelines, 2015. Collection method: clinical testing. Allele origin: unknown.

GeneDx
Classification: Uncertain significance. Last evaluated: 2023-09-01. Review status: criteria provided, single submitter. Criteria: GeneDx Variant Classification Process June 2021. Collection method: clinical testing. Allele origin: germline. Affected: yes.
Comment: Not observed at significant frequency in large population cohorts (gnomAD); In silico analysis supports that this missense variant does not alter protein structure/function; Observed in individuals with a personal history of breast and/or ovarian cancer, but also in unaffected controls (Ramus et al., 2015; Maxwell et al., 2016; Dorling et al., 2021); This variant is associated with the following publications: (PMID: 26315354, 27153395, 33471991)

Sema4
Classification: Uncertain significance for Hereditary cancer-predisposing syndrome. Last evaluated: 2021-06-24. Review status: criteria provided, single submitter. Criteria: Sema4 Curation Guidelines. Collection method: curation. Allele origin: germline.
Comment: The BARD1 c.614A>G (p.K205R) variant has been reported in heterozygosity in at least two individuals with breast and/or ovarian cancer (PMID: 27153395, 33471991). This variant was observed in 1/8838 chromosomes in the Ashkenazi Jewish population according to the Genome Aggregation Database (PMID: 32461654) and has been reported in ClinVar (Variation ID: 142401). In silico tools suggest the impact of the variant on protein function is inconclusive, though these predictions have not been confirmed by functional studies. Based on the current evidence available, this variant is interpreted as a variant of uncertain significance.

PreventionGenetics, part of Exact Sciences
Classification: Uncertain significance. Last evaluated: 2017-09-29. Review status: criteria provided, single submitter. Criteria: ACMG Guidelines, 2015. Collection method: clinical testing. Allele origin: germline.

Literature cited by the submitters: PubMed 26315354 (cited by 3 submitters); PubMed 27153395 (cited by 3 submitters); PubMed 33471991 (cited by Color Diagnostics, LLC DBA Color Health and Sema4).